The following is an entry in ClinVar:

NM_080473.5(GATA5):c.215C>T (p.Ser72Leu)

Gene: GATA5 (GATA binding protein 5; minus strand). Cytogenetic location: 20q13.33.
Variant type: single nucleotide variant.
Coding change: c.215C>T on transcript NM_080473.5 (MANE Select); coding-DNA position 215, C replaced by T.
Protein change: p.Ser72Leu; replaces serine 72 with leucine.
Molecular consequence: missense variant.
Genome position (GRCh38, 1-based): chr20:62,475,307, G>A on the plus strand (C>T on the coding strand, the complement: GATA5 is on the minus strand). VCF-style: chr20-62475307-G-A. GRCh37 (hg19) VCF-style: chr20-61050363-G-A.
Other names: short protein forms S72L.
Identifiers: ClinVar variation 1994277 (VCV001994277.4), dbSNP rs1989829039, ClinGen allele CA409557399.

ClinVar aggregate classification (germline): Uncertain significance (1 of 4 stars; one submission).

Submission:

Labcorp Genetics (formerly Invitae), Labcorp
Classification: Uncertain significance. Last evaluated: 2024-12-16. Review status: criteria provided, single submitter. Criteria: Invitae Variant Classification Sherloc (09022015). Collection method: clinical testing. Allele origin: germline.
Comment: This sequence change replaces serine, which is neutral and polar, with leucine, which is neutral and non-polar, at codon 72 of the GATA5 protein (p.Ser72Leu). This variant is not present in population databases (gnomAD no frequency). This variant has not been reported in the literature in individuals affected with GATA5-related conditions. ClinVar contains an entry for this variant (Variation ID: 1994277). Invitae Evidence Modeling of protein sequence and biophysical properties (such as structural, functional, and spatial information, amino acid conservation, physicochemical variation, residue mobility, and thermodynamic stability) indicates that this missense variant is not expected to disrupt GATA5 protein function with a negative predictive value of 80%. In summary, the available evidence is currently insufficient to determine the role of this variant in disease. Therefore, it has been classified as a Variant of Uncertain Significance.